The following is an entry in ClinVar:

NM_005120.3(MED12):c.230T>C (p.Ile77Thr)

Gene: MED12 (mediator complex subunit 12; plus strand). Cytogenetic location: Xq13.1.
Variant type: single nucleotide variant.
Coding change: c.230T>C on transcript NM_005120.3 (MANE Select); coding-DNA position 230, T replaced by C.
Protein change: p.Ile77Thr; replaces isoleucine 77 with threonine.
Molecular consequence: missense variant.
Genome position (GRCh38, 1-based): chrX:71,119,711, T>C. VCF-style: chrX-71119711-T-C. GRCh37 (hg19) VCF-style: chrX-70339561-T-C.
Other names: short protein forms I77T.
Identifiers: ClinVar variation 3394452 (VCV003394452.1).

ClinVar aggregate classification (germline): Uncertain significance (1 of 4 stars; one submission).

Conditions:
Familial thoracic aortic aneurysm and aortic dissection (TAAD). Also called: Thoracic aortic aneurysms and dissections. Identifiers: Orphanet 91387, MedGen C4707243, MONDO:0019625.

Submission:

Ambry Genetics
Classification: Uncertain significance for Familial thoracic aortic aneurysm and aortic dissection. Last evaluated: 2024-08-31. Review status: criteria provided, single submitter. Criteria: Ambry Variant Classification Scheme 2023. Collection method: clinical testing. Allele origin: germline.
Comment: The p.I77T variant (also known as c.230T>C), located in coding exon 3 of the MED12 gene, results from a T to C substitution at nucleotide position 230. The isoleucine at codon 77 is replaced by threonine, an amino acid with similar properties. This amino acid position is conserved. In addition, this alteration is predicted to be deleterious by in silico analysis. Based on the available evidence, the clinical significance of this variant remains unclear.